The following is an entry in ClinVar:

GRCh37/hg19 5q33.1-35.2(chr5:150535183-172906793)x3

Genes: ADAM19 (ADAM metallopeptidase domain 19; minus strand), ADRA1B (adrenoceptor alpha 1B; plus strand), ANXA6 (annexin A6; minus strand), ATOX1 (antioxidant 1 copper chaperone; minus strand), ATP10B (ATPase phospholipid transporting 10B (putative); minus strand) and 95 more. Cytogenetic location: 5q33.1-35.2.
Variant type: copy number gain.
Change: copy number 3 (three copies instead of two) of chr5:150,535,183-172,906,793 (22.37 Mb, GRCh37 coordinates, 1-based), cytogenetic band 5q33.1-35.2.
Identifiers: ClinVar variation 1808662 (VCV001808662.1).

ClinVar aggregate classification (germline): Pathogenic (1 of 4 stars; one submission).

Submission:

Quest Diagnostics Nichols Institute San Juan Capistrano
Classification: Pathogenic. Last evaluated: 2022-05-16. Review status: criteria provided, single submitter. Criteria: ACMG/ClinGen CNV Guidelines, 2019. Collection method: clinical testing. Allele origin: unknown.
Comment: The copy number gain of 5q33.1q35.2 involves numerous protein-coding genes, many of which are associated with autosomal dominant phenotypes in OMIM: SLC36A2 (OMIM 608331), FAT2 (OMIM 604269), GLRA1 (OMIM 138491), CYFIP2 (OMIM 606323), GABRB2 (OMIM 600232), GABRA1 (OMIM 137160), GABRG2 (OMIM 137164), HMMR (OMIM 600936), KCNMB1 (OMIM 603951), FBXW11 (OMIM 605651), and NKX2-5 (OMIM 600584). Additionally, there are multiple reports of smaller copy-number-gains within the current interval; however, there is little overlap between gene content and/or phenotypes between these reports (Bestetti 2019, Dabkowska-Huc 2013, Faguer 2011, Fujita 2013, Glessner 2010, Koolen 2006, Krutzke 2016, Yu 2011). A report by Koolen et al. (2006) identified a 1.25 Mb duplication in an individual with holoprosencephaly and preaxial polydactyly. They proposed that FBXW11 is a candidate gene to explain this phenotype. Thus, based on current medical literature and gene content, this copy number variant (CNV) is interpreted as pathogenic. References: Bestetti et al., Hum Reprod. 2019 Mar 1;34(3):574-583. PMID: 30689869 Dabkowska-Huc et al., Case Rep Genet. 2013;2013:105052. PMID: 23476832 Faguer et al., Eur J Med Genet. May-Jun 2011;54(3):310-3. PMID: 21276880 Fujita et al., Am J Med Genet A. 2013 Aug;161A(8):1904-9. PMID: 23824987 Glessner et al., PLoS One. 2010 Dec 1;5(12):e15463. PMID: 21152026 Koolen et al., J Hum Genet. 2006;51(8):721-726. PMID: 16865294 Krutzke et al., Birth Defects Res A Clin Mol Teratol. 2016 Jan;106(1):16-26. PMID: 26680650 Yu et al., Rheumatology (Oxford). 2011 Jul;50(7):1201-5. PMID: 21278068